The following is an entry in ClinVar:

ClinVar aggregate classification (germline): Uncertain significance (1 of 4 stars; one submission).

Conditions:
Autosomal recessive distal spinal muscular atrophy 2. Also called: NEURONOPATHY, DISTAL HEREDITARY MOTOR, JERASH TYPE; NEUROPATHY, DISTAL HEREDITARY MOTOR, JERASH TYPE; SPINAL MUSCULAR ATROPHY, JERASH TYPE; NEUROPATHY, DISTAL HEREDITARY MOTOR, AUTOSOMAL RECESSIVE 2; Hereditary motor neuropathy, Jerash type; Motor neuropathy, distal, Jerash type. Identifiers: Orphanet 139552, MedGen C1854023, MONDO:0011585, OMIM 605726.
Amyotrophic lateral sclerosis type 16. Also called: AMYOTROPHIC LATERAL SCLEROSIS 16, JUVENILE. Identifiers: Orphanet 300605, MedGen C3280587, MONDO:0013715, OMIM 614373.

Allele frequency attached by ClinVar (database versions not stated): ExAC 0.00001; TOPMed 0.00002; gnomAD exomes 0.00001.

Submission:

Labcorp Genetics (formerly Invitae), Labcorp
Classification: Uncertain significance for Autosomal recessive distal spinal muscular atrophy 2; Amyotrophic lateral sclerosis type 16. Last evaluated: 2019-10-12. Review status: criteria provided, single submitter. Criteria: Invitae Variant Classification Sherloc (09022015). Collection method: clinical testing. Allele origin: germline.
Comment: This sequence change replaces leucine with phenylalanine at codon 218 of the SIGMAR1 protein (p.Leu218Phe). The leucine residue is highly conserved and there is a small physicochemical difference between leucine and phenylalanine. In summary, the available evidence is currently insufficient to determine the role of this variant in disease. Therefore, it has been classified as a Variant of Uncertain Significance. Algorithms developed to predict the effect of missense changes on protein structure and function are either unavailable or do not agree on the potential impact of this missense change (SIFT: "Deleterious"; PolyPhen-2: "Benign"; Align-GVGD: "Class C15"). This variant has not been reported in the literature in individuals with SIGMAR1-related conditions. This variant is present in population databases (rs754118993, ExAC 0.01%).

NM_005866.4(SIGMAR1):c.652C>T (p.Leu218Phe)

Gene: SIGMAR1 (sigma receptor chaperone 1; minus strand). Cytogenetic location: 9p13.3.
Variant type: single nucleotide variant.
Coding change: c.652C>T on transcript NM_005866.4 (MANE Select); coding-DNA position 652, C replaced by T.
Protein change: p.Leu218Phe; replaces leucine 218 with phenylalanine.
Molecular consequence: missense variant. On other transcripts: 3 prime UTR variant (2), non-coding transcript variant (1), intron variant (1).
Genome position (GRCh38, 1-based): chr9:34,635,652, G>A on the plus strand (C>T on the coding strand, the complement: SIGMAR1 is on the minus strand). VCF-style: chr9-34635652-G-A. GRCh37 (hg19) VCF-style: chr9-34635649-G-A.
Other names: c.352C>T, p.Leu118Phe (NM_001282206.2); c.592C>T, p.Leu198Phe (NM_001282207.2); c.*195C>T (NM_001282208.2); c.*179C>T (NM_001282209.2); c.559C>T, p.Leu187Phe (NM_147157.3); c.446-12C>T (NM_001282205.2); short protein forms L187F, L198F, L218F, L118F.
Identifiers: ClinVar variation 937430 (VCV000937430.10), dbSNP rs754118993, ClinGen allele CA5035815.
Genomic context (GRCh38, chr9:34,635,652, plus strand): 5'-GCTCCTGTCTATCCGCAGGTCTTCCTTCAGGCCTGGCTGGTCAAGGGTCCTGGCCAAAGA[G>A]GTAGGTGGTGAGCTCAAGCCGGAGGCCCCGAGCATAGGAGCGAAGAGTATAGAAGAGGGT-3'
Protein context (NP_005857.1, residues 208-223): RGLRLELTTY[Leu218Phe]FGQDP